The following is an entry in ClinVar:

ClinVar aggregate classification (germline): Uncertain significance. Review status: criteria provided, multiple submitters, no conflicts (2 of 4 stars). 3 submissions from 3 submitters: Uncertain significance (3). Last evaluated 2024-03-18.

Conditions:
Hereditary cancer-predisposing syndrome. Also called: Neoplastic Syndromes, Hereditary; Tumor predisposition; Hereditary Cancer Syndrome; Hereditary neoplastic syndrome. Identifiers: Orphanet 140162, MedGen C0027672, MeSH D009386, MONDO:0015356.
Familial adenomatous polyposis 1 (FAP1). Also called: FAMILIAL ADENOMATOUS POLYPOSIS 1, ATTENUATED; POLYPOSIS, ADENOMATOUS INTESTINAL. Identifiers: MedGen C2713442, MONDO:0021056, OMIM 175100. Disease mechanism: loss of function.
Classic or attenuated familial adenomatous polyposis. Identifiers: MedGen CN372698, MONDO:0021057.

Allele frequency attached by ClinVar (database versions not stated): gnomAD exomes below 0.00001.
gnomAD v4.1: 1 of 1,613,802 alleles (0.000062%); highest among the groups gnomAD compares: Non-Finnish European, 0.000085%; no homozygotes.

Submissions (3):

Ambry Genetics
Classification: Uncertain significance for Hereditary cancer-predisposing syndrome. Last evaluated: 2024-03-18. Review status: criteria provided, single submitter. Criteria: Ambry Variant Classification Scheme 2023. Collection method: clinical testing. Allele origin: germline.
Comment: The p.E2415K variant (also known as c.7243G>A), located in coding exon 15 of the APC gene, results from a G to A substitution at nucleotide position 7243. The glutamic acid at codon 2415 is replaced by lysine, an amino acid with similar properties. This amino acid position is conserved. In addition, in silico predictors for this gene do not accurately predict pathogenicity. Based on the available evidence, the clinical significance of this alteration remains unclear.

Baylor Genetics
Classification: Uncertain significance for Familial adenomatous polyposis 1. Last evaluated: 2023-09-15. Review status: criteria provided, single submitter. Criteria: ACMG Guidelines, 2015. Collection method: clinical testing. Allele origin: unknown.

All of Us Research Program, National Institutes of Health
Classification: Uncertain significance for Classic or attenuated familial adenomatous polyposis. Last evaluated: 2023-08-08. Review status: criteria provided, single submitter. Criteria: ACMG Guidelines, 2015. Collection method: clinical testing. Allele origin: germline. Inheritance: Autosomal dominant inheritance. Observed: 1 variant allele, 1 heterozygote.
Comment: This missense variant replaces glutamic acid with lysine at codon 2415 of the APC protein. Computational prediction suggests that this variant may not impact protein structure and function (internally defined REVEL score threshold <= 0.5, PMID: 27666373). To our knowledge, functional studies have not been reported for this variant. This variant has not been reported in individuals affected with APC-related disorders in the literature. This variant has not been identified in the general population by the Genome Aggregation Database (gnomAD). The available evidence is insufficient to determine the role of this variant in disease conclusively. Therefore, this variant is classified as a Variant of Uncertain Significance.

This study involves interpretation of variants in research participants for the purpose of population health screening. Participant phenotype was not available at the time of variant classification. Additional details can be found in publication PMID: 35346344, PMCID: PMC8962531

NM_000038.6(APC):c.7243G>A (p.Glu2415Lys)

Gene: APC (APC regulator of Wnt signaling pathway; plus strand). Cytogenetic location: 5q22.2.
Variant type: single nucleotide variant.
Coding change: c.7243G>A on transcript NM_000038.6 (MANE Select); coding-DNA position 7243, G replaced by A.
Protein change: p.Glu2415Lys; replaces glutamic acid 2415 with lysine.
Molecular consequence: missense variant. On other transcripts: non-coding transcript variant (2).
Genome position (GRCh38, 1-based): chr5:112,842,837, G>A. VCF-style: chr5-112842837-G-A. GRCh37 (hg19) VCF-style: chr5-112178534-G-A.
Other names: c.7243G>A, p.Glu2415Lys (NM_001127510.3, NM_001354895.2, NM_001407450.1); c.7189G>A, p.Glu2397Lys (NM_001127511.3); c.7297G>A, p.Glu2433Lys (NM_001354896.2, NM_001407447.1, NM_001407448.1 and 1 more transcripts); c.7273G>A, p.Glu2425Lys (NM_001354897.2); c.7168G>A, p.Glu2390Lys (NM_001354898.2); c.7159G>A, p.Glu2387Lys (NM_001354899.2); c.7120G>A, p.Glu2374Lys (NM_001354900.2); c.7066G>A, p.Glu2356Lys (NM_001354901.2, NM_001407453.1); and 12 more; short protein forms E2031K, E2132K, E2255K, E2286K, E2289K, E2314K, E2324K, E2332K.
Identifiers: ClinVar variation 2677211 (VCV002677211.3), dbSNP rs1766425645, ClinGen allele CA16037107.